The following is an entry in ClinVar:

NM_033026.6(PCLO):c.3088A>T (p.Ile1030Phe)

Gene: PCLO (piccolo presynaptic cytomatrix protein; minus strand). Cytogenetic location: 7q21.11.
Variant type: single nucleotide variant.
Coding change: c.3088A>T on transcript NM_033026.6 (MANE Select); coding-DNA position 3088, A replaced by T.
Protein change: p.Ile1030Phe; replaces isoleucine 1030 with phenylalanine.
Molecular consequence: missense variant.
Genome position (GRCh38, 1-based): chr7:83,134,462, T>A on the plus strand (A>T on the coding strand, the complement: PCLO is on the minus strand). VCF-style: chr7-83134462-T-A. GRCh37 (hg19) VCF-style: chr7-82763778-T-A.
Other names: c.3088A>T, p.Ile1030Phe (NM_014510.3); short protein forms I1030F.
Identifiers: ClinVar variation 1966948 (VCV001966948.3), dbSNP rs769042370, ClinGen allele CA4321150.
Genomic context (GRCh38, chr7:83,134,462, plus strand): 5'-CCAGTTTTGTGGGAAGGACAGCCTTTTGAGGCTCAGCTGTTAAAGATTTGCTATCCTTAA[T>A]AGGTGGTGGCTTTTTTTCTGTTTCTGTTCTTTTTACTGTTGGAGCTTGTTCAGCTTTGGG-3'
Protein context (NP_149015.2, residues 1020-1040): RTETEKKPPP[Ile1030Phe]KDSKSLTAEP

ClinVar aggregate classification (germline): Uncertain significance (1 of 4 stars; one submission).

gnomAD v4.1: 4 of 1,613,694 alleles (0.00025%); highest among the groups gnomAD compares: Admixed American, 0.0017%; no homozygotes.

Submission:

Labcorp Genetics (formerly Invitae), Labcorp
Classification: Uncertain significance. Last evaluated: 2022-03-02. Review status: criteria provided, single submitter. Criteria: Invitae Variant Classification Sherloc (09022015). Collection method: clinical testing. Allele origin: germline.
Comment: In summary, the available evidence is currently insufficient to determine the role of this variant in disease. Therefore, it has been classified as a Variant of Uncertain Significance. Algorithms developed to predict the effect of missense changes on protein structure and function are either unavailable or do not agree on the potential impact of this missense change (SIFT: "Tolerated"; PolyPhen-2: "Not Available"; Align-GVGD: "Class C0"). This variant has not been reported in the literature in individuals affected with PCLO-related conditions. This variant is present in population databases (rs769042370, gnomAD 0.0009%). This sequence change replaces isoleucine, which is neutral and non-polar, with phenylalanine, which is neutral and non-polar, at codon 1030 of the PCLO protein (p.Ile1030Phe).